The following is an entry in ClinVar:

ClinVar aggregate classification (germline): Uncertain significance (1 of 4 stars; one submission).

Submission:

CeGaT Center for Human Genetics Tuebingen
Classification: Uncertain significance. Last evaluated: 2024-10-01. Review status: criteria provided, single submitter. Criteria: CeGaT Center For Human Genetics Tuebingen Variant Classification Criteria Version 2. Collection method: clinical testing. Allele origin: germline. Affected: yes. Observed: 1 variant allele.
Comment: CEP290: PM2, BP4

NM_025114.4(CEP290):c.5314G>C (p.Ala1772Pro)

Gene: CEP290 (centrosomal protein 290; minus strand). Cytogenetic location: 12q21.32.
Variant type: single nucleotide variant.
Coding change: c.5314G>C on transcript NM_025114.4 (MANE Select); coding-DNA position 5314, G replaced by C.
Protein change: p.Ala1772Pro; replaces alanine 1772 with proline.
Molecular consequence: missense variant.
Genome position (GRCh38, 1-based): chr12:88,079,142, C>G on the plus strand (G>C on the coding strand, the complement: CEP290 is on the minus strand). VCF-style: chr12-88079142-C-G. GRCh37 (hg19) VCF-style: chr12-88472919-C-G.
Other names: short protein forms A1772P.
Identifiers: ClinVar variation 3388616 (VCV003388616.14).